The following is an entry in ClinVar:

ClinVar aggregate classification (germline): Uncertain significance. Review status: criteria provided, multiple submitters, no conflicts (2 of 4 stars). 2 submissions from 2 submitters: Uncertain significance (2). Last evaluated 2026-09-05.

Allele frequency attached by ClinVar (database versions not stated): ExAC 0.00007; gnomAD 0.00035 and 0.00031; gnomAD exomes 0.00003 and 0.00008; ESP Exome Variant Server 0.00031; TOPMed 0.00031.
gnomAD v4.1: 95 of 1,604,920 alleles (0.0059%); highest among the groups gnomAD compares: African/African-American, 0.11%; no homozygotes.

Submissions (2):

GeneDx
Classification: Uncertain significance. Last evaluated: 2026-09-05. Review status: criteria provided, single submitter. Criteria: GeneDx Variant Classification Process June 2021. Collection method: clinical testing. Allele origin: germline.
Comment: In silico analysis supports that this missense variant has a deleterious effect on protein structure/function; Has not been previously published as pathogenic or benign to our knowledge

Ambry Genetics
Classification: Uncertain significance. Last evaluated: 2024-09-10. Review status: criteria provided, single submitter. Criteria: Ambry Variant Classification Scheme 2023. Collection method: clinical testing. Allele origin: germline.

NM_001004320.2(AGMO):c.1049A>G (p.Tyr350Cys)

Gene: AGMO (alkylglycerol monooxygenase; minus strand). Cytogenetic location: 7p21.2.
Variant type: single nucleotide variant.
Coding change: c.1049A>G on transcript NM_001004320.2 (MANE Select); coding-DNA position 1049, A replaced by G.
Protein change: p.Tyr350Cys; replaces tyrosine 350 with cysteine.
Molecular consequence: missense variant.
Genome position (GRCh38, 1-based): chr7:15,385,471, T>C on the plus strand (A>G on the coding strand, the complement: AGMO is on the minus strand). VCF-style: chr7-15385471-T-C. GRCh37 (hg19) VCF-style: chr7-15425096-T-C.
Other names: short protein forms Y350C.
Identifiers: ClinVar variation 1301431 (VCV001301431.7), dbSNP rs144084616, ClinGen allele CA4168427.